The following is an entry in ClinVar:

NM_000021.4(PSEN1):c.480+3G>A

Gene: PSEN1 (presenilin 1; plus strand). Cytogenetic location: 14q24.2.
Variant type: single nucleotide variant.
Coding change: c.480+3G>A on transcript NM_000021.4 (MANE Select); 3 bases into the intron after coding-DNA position 480, G replaced by A.
Molecular consequence: intron variant.
Genome position (GRCh38, 1-based): chr14:73,173,710, G>A. VCF-style: chr14-73173710-G-A. GRCh37 (hg19) VCF-style: chr14-73640418-G-A.
Other names: c.468+3G>A (NM_007318.3).
Identifiers: ClinVar variation 3907235 (VCV003907235.2).

ClinVar aggregate classification (germline): Uncertain significance. Review status: criteria provided, multiple submitters, no conflicts (2 of 4 stars). 2 submissions from 2 submitters: Uncertain significance (2). Last evaluated 2025-07-24.

Conditions:
Pick disease. Also called: PICK DISEASE OF BRAIN; DEMENTIA WITH LOBAR ATROPHY AND NEURONAL CYTOPLASMIC INCLUSIONS; Pick Disease of the Brain; LOBAR ATROPHY OF BRAIN; Pick's disease. Identifiers: Orphanet 282, MedGen C0236642, MONDO:0008243, OMIM 172700.
Acne inversa, familial, 3 (ACNINV3). Identifiers: MedGen C3151038, MONDO:0013398, OMIM 613737.
Frontotemporal dementia (FTD1). Also called: Dementia, frontotemporal, with or without parkinsonism; Frontotemporal Dementia with Parkinsonism-17 (FTDP-17); Frontotemporal lobe dementia (FLDEM); FRONTOTEMPORAL LOBAR DEGENERATION WITH TAU INCLUSIONS; FTLD WITH TAU INCLUSIONS; FRONTOTEMPORAL DEMENTIA WITH PARKINSONISM. Identifiers: Orphanet 282, MedGen C0338451, MONDO:0017276, OMIM 600274, HP:0002145.
Alzheimer disease 3 (AD3). Also called: ALZHEIMER DISEASE, FAMILIAL, 3. Identifiers: Orphanet 1020, MedGen C1843013, MONDO:0011913, OMIM 607822.

gnomAD v4.1: 9 of 1,613,998 alleles (0.00056%); highest among the groups gnomAD compares: Admixed American, 0.012%; no homozygotes.

Submissions (2):

Labcorp Genetics (formerly Invitae), Labcorp
Classification: Uncertain significance for Alzheimer disease 3; Pick disease; Acne inversa, familial, 3; Frontotemporal dementia. Last evaluated: 2025-07-24. Review status: criteria provided, single submitter. Criteria: Invitae Variant Classification Sherloc (09022015). Collection method: clinical testing. Allele origin: germline.
Comment: This sequence change falls in intron 5 of the PSEN1 gene. It does not directly change the encoded amino acid sequence of the PSEN1 protein. It affects a nucleotide within the consensus splice site. This variant is present in population databases (no rsID available, gnomAD 0.004%). This variant has not been reported in the literature in individuals affected with PSEN1-related conditions. ClinVar contains an entry for this variant (Variation ID: 3907235). Variants that disrupt the consensus splice site are a relatively common cause of aberrant splicing (PMID: 17576681, 9536098). Algorithms developed to predict the effect of sequence changes on RNA splicing suggest that this variant is not likely to affect RNA splicing. In summary, the available evidence is currently insufficient to determine the role of this variant in disease. Therefore, it has been classified as a Variant of Uncertain Significance.

Women's Health and Genetics/Laboratory Corporation of America, LabCorp
Classification: Uncertain significance. Last evaluated: 2025-06-10. Review status: criteria provided, single submitter. Criteria: LabCorp Variant Classification Summary - May 2015. Collection method: clinical testing. Allele origin: germline.
Comment: Variant summary: PSEN1 c.480+3G>A alters a conserved nucleotide located close to a canonical splice site and therefore could affect mRNA splicing, leading to a significantly altered protein sequence. Consensus agreement among computation tools predict no significant impact on normal splicing. However, these predictions have yet to be confirmed by functional studies. The variant allele was found at a frequency of 4e-06 in 251400 control chromosomes (gnomAD). The available data on variant occurrences in the general population are insufficient to allow any conclusion about variant significance. To our knowledge, no occurrence of c.480+3G>A in individuals affected with Alzheimer Disease, Type 3 and no experimental evidence demonstrating its impact on protein function have been reported. No submitters have cited clinical-significance assessments for this variant to ClinVar. Based on the evidence outlined above, the variant was classified as uncertain significance.

Literature cited by the submitters: PubMed 17576681 (cited by Labcorp Genetics (formerly Invitae), Labcorp); PubMed 9536098 (cited by Labcorp Genetics (formerly Invitae), Labcorp).